The following is an entry in ClinVar:

ClinVar aggregate classification (germline): Conflicting classifications of pathogenicity. Review status: criteria provided, conflicting classifications (1 of 4 stars). 8 submissions from 8 submitters: Uncertain significance (1); Likely benign (6). 1 of the submissions does not count toward it. Last evaluated 2026-06-01.

Conditions:
CACNA1A-related disorder. Also called: CACNA1A-related condition.
Developmental and epileptic encephalopathy, 42 (DEE42A). Also called: Epileptic encephalopathy, early infantile, 42; DEVELOPMENTAL AND EPILEPTIC ENCEPHALOPATHY 42A; EPILEPTIC ENCEPHALOPATHY, EARLY INFANTILE, 42A. Identifiers: MedGen C4310716, MONDO:0014917, OMIM 617106.
Episodic ataxia type 2 (EA2). Also called: ACETAZOLAMIDE-RESPONSIVE HEREDITARY PAROXYSMAL CEREBELLAR ATAXIA; ATAXIA, EPISODIC, WITH NYSTAGMUS; ATAXIA, FAMILIAL PAROXYSMAL; CEREBELLAR ATAXIA, PAROXYSMAL, ACETAZOLAMIDE-RESPONSIVE; CEREBELLOPATHY, HEREDITARY PAROXYSMAL; EPISODIC ATAXIA, NYSTAGMUS-ASSOCIATED. Identifiers: Orphanet 97, MedGen C1720416, MONDO:0007163, OMIM 108500.
Inborn genetic diseases. Identifiers: MedGen C0950123, MeSH D030342.

Allele frequency attached by ClinVar (database versions not stated): gnomAD exomes 0.00002; TOPMed 0.00004; gnomAD 0.00005 and 0.00006; 1000 Genomes Project 30x 0.00016.
gnomAD v4.1: 81 of 1,588,022 alleles (0.0051%); highest among the groups gnomAD compares: East Asian, 0.061%; no homozygotes.

Submissions (8):

CeGaT Center for Human Genetics Tuebingen
Classification: Likely benign. Last evaluated: 2026-06-01. Review status: criteria provided, single submitter. Criteria: CeGaT Center For Human Genetics Tuebingen Variant Classification Criteria Version 2. Collection method: clinical testing. Allele origin: germline. Affected: yes. Observed: 1 variant allele.
Comment: CACNA1A: BP4, BP7

Labcorp Genetics (formerly Invitae), Labcorp
Classification: Likely benign for Developmental and epileptic encephalopathy, 42; Episodic ataxia type 2. Last evaluated: 2026-01-26. Review status: criteria provided, single submitter. Criteria: Invitae Variant Classification Sherloc (09022015). Collection method: clinical testing. Allele origin: germline.

Mayo Clinic Laboratories, Mayo Clinic
Classification: Likely benign. Last evaluated: 2025-07-10. Review status: criteria provided, single submitter. Criteria: ACMG Guidelines, 2015. Collection method: clinical testing. Allele origin: germline. Observed: 2 variant alleles.
Comment: BS2, BP4, BP7

Blueprint Genetics
Classification: Likely benign. Last evaluated: 2024-11-22. Review status: criteria provided, single submitter. Criteria: ACMG Guidelines, 2015. Collection method: clinical testing. Allele origin: germline.

GeneDx
Classification: Likely benign. Last evaluated: 2021-03-01. Review status: criteria provided, single submitter. Criteria: GeneDx Variant Classification Process June 2021. Collection method: clinical testing. Allele origin: germline. Affected: yes.

Ambry Genetics
Classification: Likely benign for Inborn genetic diseases. Last evaluated: 2018-02-21. Review status: criteria provided, single submitter. Criteria: Ambry Variant Classification Scheme 2023. Collection method: clinical testing. Allele origin: germline.

Eurofins Ntd Llc (ga)
Classification: Uncertain significance. Last evaluated: 2017-11-15. Review status: criteria provided, single submitter. Criteria: EGL Classification Definitions 2015. Collection method: clinical testing. Allele origin: germline. Observed: 3 variant alleles, 3 heterozygotes.

PreventionGenetics, part of Exact Sciences
Classification: Likely benign for CACNA1A-related condition. Last evaluated: 2019-03-18. Review status: no assertion criteria provided. Collection method: clinical testing. Allele origin: germline. Not counted in ClinVar's aggregate classification.
Comment: This variant is classified as likely benign based on ACMG/AMP sequence variant interpretation guidelines (Richards et al. 2015 PMID: 25741868, with internal and published modifications).

NM_001127222.2(CACNA1A):c.2676C>T (p.Ser892=)

Gene: CACNA1A (calcium voltage-gated channel subunit alpha1 A; minus strand). Cytogenetic location: 19p13.13.
Variant type: single nucleotide variant.
Coding change: c.2676C>T on transcript NM_001127222.2 (MANE Select); coding-DNA position 2676, C replaced by T.
Protein change: p.Ser892=; no amino-acid change (serine 892 retained).
Molecular consequence: synonymous variant.
Genome position (GRCh38, 1-based): chr19:13,298,957, G>A on the plus strand (C>T on the coding strand, the complement: CACNA1A is on the minus strand). VCF-style: chr19-13298957-G-A. GRCh37 (hg19) VCF-style: chr19-13409771-G-A.
Other names: p.Ser893=; c.2688C>T, p.Ser896= (NM_000068.4, NM_023035.3); c.2679C>T, p.Ser893= (NM_001127221.2, NM_001174080.2); c.2676C>T (NM_001127222.1).
Identifiers: ClinVar variation 284367 (VCV000284367.27), dbSNP rs780515850, ClinGen allele CA9240504.